The following is an entry in ClinVar:

ClinVar aggregate classification (germline): Uncertain significance. Review status: criteria provided, multiple submitters, no conflicts (2 of 4 stars). 2 submissions from 2 submitters: Uncertain significance (2). Last evaluated 2023-07-16.

Conditions:
Encephalopathy, lethal, due to defective mitochondrial peroxisomal fission 1. Also called: Lethal Encephalopathy Due To Defective Mitochondrial Peroxisomal Fission. Identifiers: Orphanet 330050, MedGen C3280660, MONDO:0013726, OMIM 614388.

gnomAD v4.1: 42 of 1,614,042 alleles (0.0026%); highest among the groups gnomAD compares: Non-Finnish European, 0.0036%; no homozygotes.

Submissions (2):

Victorian Clinical Genetics Services, Murdoch Childrens Research Institute
Classification: Uncertain significance for Encephalopathy, lethal, due to defective mitochondrial peroxisomal fission 1. Last evaluated: 2023-07-16. Review status: criteria provided, single submitter. Criteria: ACMG Guidelines, 2015. Collection method: clinical testing. Allele origin: germline. Inheritance: Autosomal dominant inheritance. Affected: yes.
Comment: Based on the classification scheme VCGS_Germline_v1.3.4, this variant is classified as VUS-3B. Following criteria are met: 0103 - Dominant negative (DN) and loss of function (LoF) and are known mechanisms of disease in this gene and are associated with lethal encephalopathy due to defective mitochondrial peroxisomal fission 1 (MIM#614388) and optic atrophy 5 (MIM#610708). LoF is a described mechanism of disease for variants within the GTPase domain (PMID: 23977156, 29529134) whereas DN is a described mechanism of disease for variants located within the middle domain (PMID: 29529134). (I) 0108 - This gene is described to be predominantly associated with dominant disease. Rare instances of recessive inheritance have been associated with the GTPase domain (PMID: 29529134). (I) 0200 - Variant is predicted to result in a missense amino acid change from aspartic acid to glycine. (I) 0251 - This variant is heterozygous. (I) 0302 - Variant is present in gnomAD (v3) <0.001 for a condition (1 heterozygote, 0 homozygotes). (SP) 0502 - Missense variant with conflicting in silico predictions and uninformative conservation. (I) 0604 - Variant is not located in an established domain, motif, hotspot or informative constraint region. (I) 0705 - No comparable missense variants have previous evidence for pathogenicity. (I) 0807 - This variant has no previous evidence of pathogenicity. (I) 0905 - No published segregation evidence has been identified for this variant. (I) 1007 - No published functional evidence has been identified for this variant. (I) 1208 - Inheritance information for this variant is not currently available in this individual. (I) Legend: (SP) - Supporting pathogenic, (I) - Information, (SB) - Supporting benign

Blueprint Genetics
Classification: Uncertain significance. Last evaluated: 2020-10-19. Review status: criteria provided, single submitter. Criteria: ACMG Guidelines, 2015. Collection method: clinical testing. Allele origin: germline.

Literature cited by the submitters: PubMed 23977156 (cited by Victorian Clinical Genetics Services, Murdoch Childrens Research Institute); PubMed 29529134 (cited by Victorian Clinical Genetics Services, Murdoch Childrens Research Institute).

NM_012062.5(DNM1L):c.1736A>G (p.Asp579Gly)

Gene: DNM1L (dynamin 1L; plus strand). Cytogenetic location: 12p11.21.
Variant type: single nucleotide variant.
Coding change: c.1736A>G on transcript NM_012062.5 (MANE Select); coding-DNA position 1736, A replaced by G.
Protein change: p.Asp579Gly; replaces aspartic acid 579 with glycine.
Molecular consequence: missense variant.
Genome position (GRCh38, 1-based): chr12:32,740,092, A>G. VCF-style: chr12-32740092-A-G. GRCh37 (hg19) VCF-style: chr12-32893026-A-G.
Other names: c.1703A>G, p.Asp568Gly (NM_001278463.2); c.1775A>G, p.Asp592Gly (NM_001278464.2); c.1742A>G, p.Asp581Gly (NM_001278465.2); c.1127A>G, p.Asp376Gly (NM_001278466.2); c.1664A>G, p.Asp555Gly (NM_001330380.2); c.1625A>G, p.Asp542Gly (NM_005690.5); c.1658A>G, p.Asp553Gly (NM_012063.4); short protein forms D376G, D542G, D553G, D555G, D568G, D579G, D581G, D592G.
Identifiers: ClinVar variation 3376613 (VCV003376613.2).